The following is an entry in ClinVar:

ClinVar aggregate classification (germline): Uncertain significance (1 of 4 stars; one submission).

Conditions:
Hereditary spastic paraplegia 31. Also called: SPASTIC PARAPLEGIA 31, AUTOSOMAL DOMINANT. Identifiers: Orphanet 101011, MedGen C1853247, MONDO:0012453, OMIM 610250.

Allele frequency attached by ClinVar (database versions not stated): TOPMed below 0.00001; gnomAD 0.00001.
gnomAD v4.1: 1 of 1,613,846 alleles (0.000062%); highest among the groups gnomAD compares: Non-Finnish European, 0.000085%; no homozygotes.

Submission:

Labcorp Genetics (formerly Invitae), Labcorp
Classification: Uncertain significance for Hereditary spastic paraplegia 31. Last evaluated: 2024-01-06. Review status: criteria provided, single submitter. Criteria: Invitae Variant Classification Sherloc (09022015). Collection method: clinical testing. Allele origin: germline.
Comment: This sequence change replaces alanine, which is neutral and non-polar, with serine, which is neutral and polar, at codon 74 of the REEP1 protein (p.Ala74Ser). This variant is not present in population databases (gnomAD no frequency). This variant has not been reported in the literature in individuals affected with REEP1-related conditions. An algorithm developed to predict the effect of missense changes on protein structure and function (PolyPhen-2) suggests that this variant is likely to be tolerated. In summary, the available evidence is currently insufficient to determine the role of this variant in disease. Therefore, it has been classified as a Variant of Uncertain Significance.

NM_001371279.1(REEP1):c.220G>T (p.Ala74Ser)

Gene: REEP1 (receptor accessory protein 1; minus strand). Cytogenetic location: 2p11.2.
Variant type: single nucleotide variant.
Coding change: c.220G>T on transcript NM_001371279.1 (MANE Select); coding-DNA position 220, G replaced by T.
Protein change: p.Ala74Ser; replaces alanine 74 with serine.
Molecular consequence: missense variant. On other transcripts: intron variant (1).
Genome position (GRCh38, 1-based): chr2:86,254,777, C>A on the plus strand (G>T on the coding strand, the complement: REEP1 is on the minus strand). VCF-style: chr2-86254777-C-A. GRCh37 (hg19) VCF-style: chr2-86481900-C-A.
Other names: c.241G>T, p.Ala81Ser (NM_001164730.2); c.139G>T, p.Ala47Ser (NM_001164731.2); c.220G>T, p.Ala74Ser (NM_001371280.1, NM_001410855.1, NM_001410856.1 and 1 more transcripts); c.182+9188G>T (NM_001164732.2); short protein forms A74S, A81S, A47S.
Identifiers: ClinVar variation 2784379 (VCV002784379.3), dbSNP rs1214003244, ClinGen allele CA347717468.